The following is an entry in ClinVar:

NM_002340.6(LSS):c.775del (p.Leu259fs)

Gene: LSS (lanosterol synthase; minus strand). Cytogenetic location: 21q22.3.
Variant type: Deletion.
Coding change: c.775del on transcript NM_002340.6 (MANE Select); coding-DNA position 775, one base deleted (C; older notation c.775delC).
Protein change: p.Leu259fs; shifts the reading frame from leucine 259.
Molecular consequence: frameshift variant.
Genome position (GRCh38, 1-based): chr21:46,216,397, G deleted on the plus strand (C on the coding strand, the reverse complement: LSS is on the minus strand); the first of 2 consecutive G bases (chr21:46,216,397-46,216,398); deleting either gives the same sequence. VCF-style (leftmost placement, unchanged base first): chr21-46216396-AG-A. GRCh37 (hg19) VCF-style: chr21-47636310-AG-A.
Other names: c.775del, p.Leu259fs (NM_001001438.3); c.742del, p.Leu248fs (NM_001145436.2); c.535del, p.Leu179fs (NM_001145437.2); c.535del (NM_001145437.1); short protein forms L259fs, L248fs, L179fs.
Identifiers: ClinVar variation 4751137 (VCV004751137.2).
Genomic context (GRCh38, chr21:46,216,396, plus strand): 5'-CCTGTGGGTCCCAGCCCCAGAGGCCTTCACTTTGTTCCCTGATGAGGTCCTACCTGGCGG[AG>A]GCTCTGGACCAGCGGGTCTTCCGCGGCACTCAGCCGAACGGCGTAGCAGTAGCTCATGGG-3'

ClinVar aggregate classification (germline): Pathogenic/Likely pathogenic. Review status: criteria provided, multiple submitters, no conflicts (2 of 4 stars). 2 submissions from 2 submitters: Pathogenic (1); Likely pathogenic (1). Last evaluated 2026-02-22.

Submissions (2):

GeneDx
Classification: Likely pathogenic. Last evaluated: 2026-02-22. Review status: criteria provided, single submitter. Criteria: GeneDx Variant Classification Process June 2021. Collection method: clinical testing. Allele origin: germline.
Comment: Frameshift variant predicted to result in protein truncation or nonsense mediated decay in a gene for which loss of function is a known mechanism of disease; Has not been previously published as pathogenic or benign to our knowledge

Labcorp Genetics (formerly Invitae), Labcorp
Classification: Pathogenic. Last evaluated: 2025-12-15. Review status: criteria provided, single submitter. Criteria: Invitae Variant Classification Sherloc (09022015). Collection method: clinical testing. Allele origin: germline.
Comment: This sequence change creates a premature translational stop signal (p.Leu259Serfs*118) in the LSS gene. It is expected to result in an absent or disrupted protein product. Loss-of-function variants in LSS are known to be pathogenic (PMID: 30723320). This variant is present in population databases (rs774926163, gnomAD 0.009%). This variant has not been reported in the literature in individuals affected with LSS-related conditions. For these reasons, this variant has been classified as Pathogenic.

Literature cited by the submitters: PubMed 30723320 (cited by Labcorp Genetics (formerly Invitae), Labcorp).